The following is an entry in ClinVar:

Conditions:
Breast-ovarian cancer, familial, susceptibility to, 1 (BROVCA1). Also called: BRCA1 Hereditary Breast and Ovarian Cancer; OVARIAN CANCER, SUSCEPTIBILITY TO. Identifiers: Orphanet 145, MedGen C2676676, MONDO:0011450, OMIM 604370. Disease mechanism: loss of function.

Allele frequency attached by ClinVar (database versions not stated): gnomAD exomes below 0.00001.
gnomAD v4.1: 1 of 1,608,090 alleles (0.000062%); no homozygotes.

Submission:

Brotman Baty Institute, University of Washington
No classification provided (evidence only). Condition: Breast-ovarian cancer, familial 1. Review status: no classification provided. Collection method: in vitro. Allele origin: not applicable. Functional consequence: functionally_normal.
ClinVar note: "not provided" was previously submitted as the classification for the variant. However, the classification appeared to be based only on an observation of functional data so it was converted to no classification on 2025-07-30.

NM_007294.4(BRCA1):c.-8A>T

Gene: BRCA1 (BRCA1 DNA repair associated; minus strand). Cytogenetic location: 17q21.31.
Variant type: single nucleotide variant.
Coding change: c.-8A>T on transcript NM_007294.4 (MANE Select); 8 bases upstream of the start codon, A replaced by T.
Molecular consequence: 5 prime UTR variant. On other transcripts: non-coding transcript variant (1).
Genome position (GRCh38, 1-based): chr17:43,124,104, T>A on the plus strand (A>T on the coding strand, the complement: BRCA1 is on the minus strand). VCF-style: chr17-43124104-T-A. GRCh37 (hg19) VCF-style: chr17-41276121-T-A.
Other names: c.-8A>T (NM_001408408.1, NM_001408409.1, NM_001408411.1 and 169 more transcripts); c.-268A>T (NM_001408410.1, NM_001408452.1, NM_001408462.1 and 22 more transcripts); c.-95A>T (NM_001408454.1, NM_001408459.1, NM_001408460.1 and 21 more transcripts); c.-265A>T (NM_001408455.1, NM_001408456.1, NM_001408468.1 and 11 more transcripts); c.-269A>T (NM_001408465.1, NM_001407695.1); c.-196A>T (NM_001408478.1, NM_001408479.1, NM_001408480.1 and 42 more transcripts); c.-341A>T (NM_001408482.1); c.-312A>T (NM_001408492.1, NM_001407889.1); and 8 more.
Identifiers: ClinVar variation 868664 (VCV000868664.3), dbSNP rs2055749162, ClinGen allele CA916081152.